The following is an entry in ClinVar:

ClinVar aggregate classification (germline): Uncertain significance (1 of 4 stars; one submission).

Conditions:
DICER1-related tumor predisposition. Also called: DICER1 syndrome; DICER1-related pleuropulmonary blastoma cancer predisposition syndrome. Identifiers: Orphanet 284343, MedGen C3839822, MONDO:0100216.

Submission:

Labcorp Genetics (formerly Invitae), Labcorp
Classification: Uncertain significance for DICER1-related tumor predisposition. Last evaluated: 2016-03-27. Review status: criteria provided, single submitter. Criteria: Invitae Variant Classification Sherloc (09022015). Collection method: clinical testing. Allele origin: germline.
Comment: In summary, this is a novel intronic change with uncertain impact on splicing. It has been classified as a Variant of Uncertain Significance. Algorithms developed to predict the effect of nucleotide changes on mRNA splicing suggest that this intronic variant may alter mRNA splicing, but this prediction has not been confirmed by published transcriptional studies. This variant is not present in population databases (ExAC no frequency) and has not been reported in the literature in individuals with a DICER1-related disease. This sequence change falls in intron 13 of the DICER1 mRNA. It does not directly change the encoded amino acid sequence of the DICER1 protein.

NM_177438.3(DICER1):c.2117-9A>G

Gene: DICER1 (dicer 1, ribonuclease III; minus strand). Cytogenetic location: 14q32.13.
Variant type: single nucleotide variant.
Coding change: c.2117-9A>G on transcript NM_177438.3 (MANE Select); 9 bases into the intron before coding-DNA position 2117, A replaced by G.
Molecular consequence: intron variant.
Genome position (GRCh38, 1-based): chr14:95,111,465, T>C on the plus strand (A>G on the coding strand, the complement: DICER1 is on the minus strand). VCF-style: chr14-95111465-T-C. GRCh37 (hg19) VCF-style: chr14-95577802-T-C.
Other names: c.2117-9A>G (NM_001291628.2, NM_030621.4, NM_001271282.3 and 1 more transcripts).
Identifiers: ClinVar variation 242057 (VCV000242057.8), dbSNP rs878855247, ClinGen allele CA10583214.
Genomic context (GRCh38, chr14:95,111,465, plus strand): 5'-TCATATTTAACAGTCTCTTTCCCAACTGGCATCAAATGGTCATCCAGTTCGCCTAACAAA[T>C]TTAAAGAGAGAATTAACACAATCCAGATTTTGCCTGATTAATTAGTAAAGAATTTAGAAC-3'